The following is an entry in ClinVar:

ClinVar aggregate classification (germline): Uncertain significance. Review status: criteria provided, multiple submitters, no conflicts (2 of 4 stars). 2 submissions from 2 submitters: Uncertain significance (2). Last evaluated 2025-12-09.

Conditions:
Koolen-de Vries syndrome (KDVS). Identifiers: Orphanet 96169, MedGen C1864871, MONDO:0012496, OMIM 610443.

Allele frequency attached by ClinVar (database versions not stated): gnomAD exomes below 0.00001 and 0.00001; ExAC 0.00001; gnomAD 0.00001; TOPMed 0.00002.
gnomAD v4.1: 7 of 1,613,378 alleles (0.00043%); highest among the groups gnomAD compares: African/African-American, 0.004%; no homozygotes.

Submissions (2):

Labcorp Genetics (formerly Invitae), Labcorp
Classification: Uncertain significance for Koolen-de Vries syndrome. Last evaluated: 2025-12-09. Review status: criteria provided, single submitter. Criteria: Invitae Variant Classification Sherloc (09022015). Collection method: clinical testing. Allele origin: germline.
Comment: This sequence change replaces arginine, which is basic and polar, with glutamine, which is neutral and polar, at codon 606 of the KANSL1 protein (p.Arg606Gln). This variant is present in population databases (rs758110910, gnomAD 0.01%). This variant has not been reported in the literature in individuals affected with KANSL1-related conditions. ClinVar contains an entry for this variant (Variation ID: 1497966). Invitae Evidence Modeling of protein sequence and biophysical properties (such as structural, functional, and spatial information, amino acid conservation, physicochemical variation, residue mobility, and thermodynamic stability) indicates that this missense variant is not expected to disrupt KANSL1 protein function with a negative predictive value of 80%. In summary, the available evidence is currently insufficient to determine the role of this variant in disease. Therefore, it has been classified as a Variant of Uncertain Significance.

Fulgent Genetics
Classification: Uncertain significance for Koolen-de Vries syndrome. Last evaluated: 2024-03-23. Review status: criteria provided, single submitter. Criteria: ACMG Guidelines, 2015. Collection method: clinical testing. Allele origin: germline.

NM_015443.4(KANSL1):c.1817G>A (p.Arg606Gln)

Gene: KANSL1 (KAT8 regulatory NSL complex subunit 1). Cytogenetic location: 17q21.31.
Variant type: single nucleotide variant.
Coding change: c.1817G>A on transcript NM_015443.4 (MANE Select); coding-DNA position 1817, G replaced by A.
Protein change: p.Arg606Gln; replaces arginine 606 with glutamine.
Molecular consequence: missense variant.
Genome position (GRCh38, 1-based): chr17:46,066,568, C>T on the plus strand (G>A on the coding strand, the complement: KANSL1 is on the minus strand). VCF-style: chr17-46066568-C-T. GRCh37 (hg19) VCF-style: chr17-44143934-C-T.
Other names: c.1817G>A, p.Arg606Gln (NM_001193465.2, NM_001193466.2, NM_001379198.1); short protein forms R606Q.
Identifiers: ClinVar variation 1497966 (VCV001497966.7), dbSNP rs758110910, ClinGen allele CA8618726.